The following is an entry in ClinVar:

NM_001009944.3(PKD1):c.3092T>C (p.Leu1031Pro)

Gene: PKD1 (polycystin 1, transient receptor potential channel interacting; minus strand). Cytogenetic location: 16p13.3.
Variant type: single nucleotide variant.
Coding change: c.3092T>C on transcript NM_001009944.3 (MANE Select); coding-DNA position 3092, T replaced by C.
Protein change: p.Leu1031Pro; replaces leucine 1031 with proline.
Molecular consequence: missense variant.
Genome position (GRCh38, 1-based): chr16:2,112,857, A>G on the plus strand (T>C on the coding strand, the complement: PKD1 is on the minus strand). VCF-style: chr16-2112857-A-G. GRCh37 (hg19) VCF-style: chr16-2162858-A-G.
Other names: c.3092T>C, p.Leu1031Pro (NM_000296.4); short protein forms L1031P.
Identifiers: ClinVar variation 2501558 (VCV002501558.1), dbSNP rs758865792, ClinGen allele CA7832959.

ClinVar aggregate classification (germline): Uncertain significance (1 of 4 stars; one submission).

Allele frequency attached by ClinVar (database versions not stated): ExAC 0.00001; gnomAD exomes 0.00001; TOPMed 0.00001.
gnomAD v4.1: 4 of 1,605,924 alleles (0.00025%); highest among the groups gnomAD compares: Admixed American, 0.0067%; no homozygotes.

Submission:

GeneDx
Classification: Uncertain significance. Last evaluated: 2022-11-04. Review status: criteria provided, single submitter. Criteria: GeneDx Variant Classification Process June 2021. Collection method: clinical testing. Allele origin: germline. Affected: yes.
Comment: In silico analysis supports that this missense variant has a deleterious effect on protein structure/function; Has not been previously published as pathogenic or benign to our knowledge